The following is an entry in ClinVar:

ClinVar aggregate classification (germline): Uncertain significance. Review status: criteria provided, multiple submitters, no conflicts (2 of 4 stars). 2 submissions from 2 submitters: Uncertain significance (2). Last evaluated 2025-12-09.

Conditions:
Inborn genetic diseases. Identifiers: MedGen C0950123, MeSH D030342.

Submissions (2):

Ambry Genetics
Classification: Uncertain significance for Inborn genetic diseases. Last evaluated: 2025-12-09. Review status: criteria provided, single submitter. Criteria: Ambry Variant Classification Scheme 2023. Collection method: clinical testing. Allele origin: germline.

Labcorp Genetics (formerly Invitae), Labcorp
Classification: Uncertain significance. Last evaluated: 2024-07-19. Review status: criteria provided, single submitter. Criteria: Invitae Variant Classification Sherloc (09022015). Collection method: clinical testing. Allele origin: germline.
Comment: This sequence change replaces histidine, which is basic and polar, with glutamine, which is neutral and polar, at codon 3504 of the HSPG2 protein (p.His3504Gln). This variant is not present in population databases (gnomAD no frequency). This variant has not been reported in the literature in individuals affected with HSPG2-related conditions. An algorithm developed to predict the effect of missense changes on protein structure and function (PolyPhen-2) suggests that this variant is likely to be disruptive. In summary, the available evidence is currently insufficient to determine the role of this variant in disease. Therefore, it has been classified as a Variant of Uncertain Significance.

NM_005529.7(HSPG2):c.10512C>G (p.His3504Gln)

Gene: HSPG2 (heparan sulfate proteoglycan 2; minus strand). Cytogenetic location: 1p36.12.
Variant type: single nucleotide variant.
Coding change: c.10512C>G on transcript NM_005529.7 (MANE Select); coding-DNA position 10512, C replaced by G.
Protein change: p.His3504Gln; replaces histidine 3504 with glutamine.
Molecular consequence: missense variant.
Genome position (GRCh38, 1-based): chr1:21,834,887, G>C on the plus strand (C>G on the coding strand, the complement: HSPG2 is on the minus strand). VCF-style: chr1-21834887-G-C. GRCh37 (hg19) VCF-style: chr1-22161380-G-C.
Other names: c.10512C>G (NM_005529.5); c.10515C>G, p.His3505Gln (NM_001291860.2); short protein forms H3504Q, H3505Q.
Identifiers: ClinVar variation 3622895 (VCV003622895.3).
Genomic context (GRCh38, chr1:21,834,887, plus strand): 5'-TTTGCTCCATGTCACCTGAGGCTTGGGGTCACCCAGTGCCAGGCATTCGAACTCCACGGC[G>C]TGGCCAACCACCACGGTCTGCACAGAGGTCCGGATGTTGATGAGCACCGAGGGCAGGGCT-3'
Protein context (NP_005520.4, residues 3494-3514): RTSVQTVVVG[His3504Gln]AVEFECLALG